The following is an entry in ClinVar:

NM_002386.4(MC1R):c.802C>T (p.Pro268Ser)

Gene: MC1R (melanocortin 1 receptor; plus strand). Cytogenetic location: 16q24.3.
Variant type: single nucleotide variant.
Coding change: c.802C>T on transcript NM_002386.4 (MANE Select); coding-DNA position 802, C replaced by T.
Protein change: p.Pro268Ser; replaces proline 268 with serine.
Molecular consequence: missense variant.
Genome position (GRCh38, 1-based): chr16:89,920,060, C>T. VCF-style: chr16-89920060-C-T. GRCh37 (hg19) VCF-style: chr16-89986468-C-T.
Other names: short protein forms P268S.
Identifiers: ClinVar variation 3871125 (VCV003871125.1).

ClinVar aggregate classification (germline): Uncertain significance (1 of 4 stars; one submission).

Submission:

Ambry Genetics
Classification: Uncertain significance. Last evaluated: 2025-02-22. Review status: criteria provided, single submitter. Criteria: Ambry Variant Classification Scheme 2023. Collection method: clinical testing. Allele origin: germline.
Comment: The p.P268S variant (also known as c.802C>T), located in coding exon 1 of the MC1R gene, results from a C to T substitution at nucleotide position 802. The proline at codon 268 is replaced by serine, an amino acid with similar properties. This amino acid position is conserved. In addition, the in silico prediction for this alteration is inconclusive. Based on the available evidence, the clinical significance of this variant remains unclear.